The following is an entry in ClinVar:

ClinVar aggregate classification (germline): Pathogenic. Review status: reviewed by expert panel (3 of 4 stars). 2 submissions from 2 submitters: Pathogenic (1). 1 of the submissions does not count toward it. Last evaluated 2017-12-15.

Conditions:
Breast-ovarian cancer, familial, susceptibility to, 1 (BROVCA1). Also called: OVARIAN CANCER, SUSCEPTIBILITY TO; BRCA1 Hereditary Breast and Ovarian Cancer. Identifiers: Orphanet 145, MedGen C2676676, MONDO:0011450, OMIM 604370. Disease mechanism: loss of function.
Familial cancer of breast. Also called: Hereditary breast cancer; hereditary breast carcinoma; BREAST CANCER, FAMILIAL. Identifiers: Orphanet 227535, MedGen C0346153, MONDO:0016419, OMIM 114480. Disease mechanism: loss of function.

Submissions (2):

Evidence-based Network for the Interpretation of Germline Mutant Alleles (ENIGMA)
Classification: Pathogenic for Breast-ovarian cancer, familial, susceptibility to, 1. Last evaluated: 2017-12-15. Review status: reviewed by expert panel. Criteria: ENIGMA BRCA1/2 Classification Criteria (2017-06-29). Collection method: curation. Allele origin: germline. Study: ENIGMA.
Comment: Variant allele predicted to encode a truncated non-functional protein.

ClinVar Staff, National Center for Biotechnology Information (NCBI)
No classification provided. Condition: Familial cancer of breast. Review status: no classification provided. Collection method: literature only. Allele origin: germline. Affected: yes. Not counted in ClinVar's aggregate classification.

Literature cited by the submitters: PubMed 10800284 (cited by ClinVar Staff, National Center for Biotechnology Information (NCBI)).

NM_007294.4(BRCA1):c.3211dup (p.Glu1071fs)

Gene: BRCA1 (BRCA1 DNA repair associated; minus strand). Cytogenetic location: 17q21.31.
Variant type: Duplication.
Coding change: c.3211dup on transcript NM_007294.4 (MANE Select); coding-DNA position 3211, one base duplicated (G; older notation c.3211dupG).
Protein change: p.Glu1071fs; shifts the reading frame from glutamic acid 1071.
Molecular consequence: frameshift variant. On other transcripts: intron variant (137).
Genome position (GRCh38, 1-based): chr17:43,092,320, C duplicated on the plus strand (G on the coding strand, the reverse complement: BRCA1 is on the minus strand). VCF-style (leftmost placement, unchanged base first): chr17-43092319-T-TC. GRCh37 (hg19) VCF-style: chr17-41244336-T-TC.
Other names: c.3211dupG (NM_007294.3); c.2998dup, p.Glu1000fs (NM_001407571.1, NM_001407853.1, NM_001407894.1 and 9 more transcripts); c.3211dup, p.Glu1071fs (NM_001407581.1, NM_001407582.1, NM_001407583.1 and 30 more transcripts); c.3208dup, p.Glu1070fs (NM_001407587.1, NM_001407590.1, NM_001407591.1 and 22 more transcripts); c.3202dup, p.Glu1068fs (NM_001407646.1, NM_001407647.1); c.3088dup, p.Glu1030fs (NM_001407648.1, NM_001407664.1, NM_001407665.1 and 19 more transcripts); c.3085dup, p.Glu1029fs (NM_001407649.1, NM_001407670.1, NM_001407671.1 and 11 more transcripts); c.3133dup, p.Glu1045fs (NM_001407653.1, NM_001407654.1, NM_001407655.1 and 4 more transcripts); and 42 more; short protein forms E1024fs, E1071fs, E1000fs, E1004fs, E1070fs, E903fs, E959fs, E1003fs.
Identifiers: ClinVar variation 54797 (VCV000054797.3), dbSNP rs397509047, ClinGen allele CA327859.
Genomic context (GRCh38, chr17:43,092,319, plus strand): 5'-GGTTGCAAAACCCCTAATCTAAGCATAGCATTCAATTTTGGCCCTCTGTTTCTACCTAGT[T>TC]CTGCTTGAATGTTTTCATCACTGGAACCTATTTCATTAATACTGGAGCCCACTTCATTAG-3'